The following is an entry in ClinVar:

NM_174934.4(SCN4B):c.554A>G (p.Lys185Arg)

Gene: SCN4B (sodium voltage-gated channel beta subunit 4; minus strand). Cytogenetic location: 11q23.3.
Variant type: single nucleotide variant.
Coding change: c.554A>G on transcript NM_174934.4 (MANE Select); coding-DNA position 554, A replaced by G.
Protein change: p.Lys185Arg; replaces lysine 185 with arginine.
Molecular consequence: missense variant. On other transcripts: non-coding transcript variant (1).
Genome position (GRCh38, 1-based): chr11:118,141,246, T>C on the plus strand (A>G on the coding strand, the complement: SCN4B is on the minus strand). VCF-style: chr11-118141246-T-C. GRCh37 (hg19) VCF-style: chr11-118011961-T-C.
Other names: c.152A>G, p.Lys51Arg (NM_001142348.2); c.224A>G, p.Lys75Arg (NM_001142349.2); short protein forms K185R, K75R, K51R.
Identifiers: ClinVar variation 3019786 (VCV003019786.3), dbSNP rs992756382, ClinGen allele CA229487225.

ClinVar aggregate classification (germline): Uncertain significance (1 of 4 stars; one submission).

Conditions:
Long QT syndrome 10 (LQT10). Identifiers: Orphanet 101016, Orphanet 768, MedGen C2678484, MONDO:0012737, OMIM 611819.

Allele frequency attached by ClinVar (database versions not stated): gnomAD 0.00001; TOPMed 0.00002.
gnomAD v4.1: 2 of 1,612,804 alleles (0.00012%); highest among the groups gnomAD compares: African/African-American, 0.0013%; no homozygotes.

Submission:

Labcorp Genetics (formerly Invitae), Labcorp
Classification: Uncertain significance for Long QT syndrome 10. Last evaluated: 2024-02-25. Review status: criteria provided, single submitter. Criteria: Invitae Variant Classification Sherloc (09022015). Collection method: clinical testing. Allele origin: germline.
Comment: This sequence change replaces lysine, which is basic and polar, with arginine, which is basic and polar, at codon 185 of the SCN4B protein (p.Lys185Arg). This variant is present in population databases (no rsID available, gnomAD no frequency). This variant has not been reported in the literature in individuals affected with SCN4B-related conditions. An algorithm developed to predict the effect of missense changes on protein structure and function (PolyPhen-2) suggests that this variant is likely to be tolerated. In summary, the available evidence is currently insufficient to determine the role of this variant in disease. Therefore, it has been classified as a Variant of Uncertain Significance.